The following is an entry in ClinVar:

NM_001563.4(IMPG1):c.1169A>G (p.Asp390Gly)

Gene: IMPG1 (interphotoreceptor matrix proteoglycan 1; minus strand). Cytogenetic location: 6q14.1.
Variant type: single nucleotide variant.
Coding change: c.1169A>G on transcript NM_001563.4 (MANE Select); coding-DNA position 1169, A replaced by G.
Protein change: p.Asp390Gly; replaces aspartic acid 390 with glycine.
Molecular consequence: missense variant.
Genome position (GRCh38, 1-based): chr6:76,003,917, T>C on the plus strand (A>G on the coding strand, the complement: IMPG1 is on the minus strand). VCF-style: chr6-76003917-T-C. GRCh37 (hg19) VCF-style: chr6-76713634-T-C.
Other names: c.935A>G, p.Asp312Gly (NM_001282368.2); c.1169A>G (NM_001563.3); short protein forms D312G, D390G.
Identifiers: ClinVar variation 1081847 (VCV001081847.12), dbSNP rs187347245, ClinGen allele CA3898211.

ClinVar aggregate classification (germline): Likely benign. Review status: criteria provided, multiple submitters, no conflicts (2 of 4 stars). 3 submissions from 3 submitters: Likely benign (2). 1 of the submissions does not count toward it. Last evaluated 2025-12-13.

Conditions:
IMPG1-related disorder. Also called: IMPG1-related condition.

Allele frequency attached by ClinVar (database versions not stated): gnomAD 0.00003 and 0.00004; gnomAD exomes 0.00007 and 0.00038; TOPMed 0.00016; ExAC 0.00032.
gnomAD v4.1: 111 of 1,613,296 alleles (0.0069%); highest among the groups gnomAD compares: Admixed American, 0.18%; no homozygotes.

Submissions (3):

Labcorp Genetics (formerly Invitae), Labcorp
Classification: Likely benign. Last evaluated: 2025-12-13. Review status: criteria provided, single submitter. Criteria: Invitae Variant Classification Sherloc (09022015). Collection method: clinical testing. Allele origin: germline.

Blueprint Genetics
Classification: Likely benign. Last evaluated: 2022-04-19. Review status: criteria provided, single submitter. Criteria: ACMG Guidelines, 2015. Collection method: clinical testing. Allele origin: germline.

PreventionGenetics, part of Exact Sciences
Classification: Likely benign for IMPG1-related condition. Last evaluated: 2019-08-15. Review status: no assertion criteria provided. Collection method: clinical testing. Allele origin: germline. Not counted in ClinVar's aggregate classification.
Comment: This variant is classified as likely benign based on ACMG/AMP sequence variant interpretation guidelines (Richards et al. 2015 PMID: 25741868, with internal and published modifications).